The following is an entry in ClinVar:

ClinVar aggregate classification (germline): Uncertain significance (1 of 4 stars; one submission).

Submission:

Ambry Genetics
Classification: Uncertain significance. Last evaluated: 2024-04-04. Review status: criteria provided, single submitter. Criteria: Ambry Variant Classification Scheme 2023. Collection method: clinical testing. Allele origin: germline.
Comment: The p.S1009T variant (also known as c.3025T>A), located in coding exon 4 of the ALPK2 gene, results from a T to A substitution at nucleotide position 3025. The serine at codon 1009 is replaced by threonine, an amino acid with similar properties. This amino acid position is conserved. In addition, this alteration is predicted to be tolerated by in silico analysis. Based on the available evidence, the clinical significance of this variant remains unclear.

NM_052947.4(ALPK2):c.3025T>A (p.Ser1009Thr)

Gene: ALPK2 (alpha kinase 2; minus strand). Cytogenetic location: 18q21.31.
Variant type: single nucleotide variant.
Coding change: c.3025T>A on transcript NM_052947.4 (MANE Select); coding-DNA position 3025, T replaced by A.
Protein change: p.Ser1009Thr; replaces serine 1009 with threonine.
Molecular consequence: missense variant.
Genome position (GRCh38, 1-based): chr18:58,537,162, A>T on the plus strand (T>A on the coding strand, the complement: ALPK2 is on the minus strand). VCF-style: chr18-58537162-A-T. GRCh37 (hg19) VCF-style: chr18-56204394-A-T.
Other names: short protein forms S1009T.
Identifiers: ClinVar variation 3289252 (VCV003289252.1).